The following is an entry in ClinVar:

ClinVar aggregate classification (germline): Uncertain significance (1 of 4 stars; one submission).

Submission:

Women's Health and Genetics/Laboratory Corporation of America, LabCorp
Classification: Uncertain significance. Last evaluated: 2026-01-23. Review status: criteria provided, single submitter. Criteria: LabCorp Variant Classification Summary - May 2015. Collection method: clinical testing. Allele origin: germline.
Comment: Variant summary: NEB c.17736G>T (p.Gln5912His) results in a non-conservative amino acid change in the encoded protein sequence. Algorithms developed to predict the effect of missense changes on protein structure and function are either unavailable or do not agree on the potential impact of this missense change. Several computational tools predict a significant impact on normal splicing: Three predict the variant weakens a 5' donor site. One predicts the variant abolishes a 5' donor site. However, these predictions have yet to be confirmed by functional studies. The variant was absent in 248706 control chromosomes. The available data on variant occurrences in the general population are insufficient to allow any conclusion about variant significance. To our knowledge, no occurrence of c.17736G>T in individuals affected with NEB-related conditions and no experimental evidence demonstrating its impact on protein function have been reported. No submitters have cited clinical-significance assessments for this variant to ClinVar. Based on the evidence outlined above, the variant was classified as uncertain significance.

NM_001164508.2(NEB):c.17736G>T (p.Gln5912His)

Gene: NEB (nebulin; minus strand). Cytogenetic location: 2q23.3.
Variant type: single nucleotide variant.
Coding change: c.17736G>T on transcript NM_001164508.2 (MANE Select); coding-DNA position 17736, G replaced by T.
Protein change: p.Gln5912His; replaces glutamine 5912 with histidine.
Molecular consequence: missense variant.
Genome position (GRCh38, 1-based): chr2:151,568,316, C>A on the plus strand (G>T on the coding strand, the complement: NEB is on the minus strand). VCF-style: chr2-151568316-C-A. GRCh37 (hg19) VCF-style: chr2-152424830-C-A.
Other names: c.17736G>T, p.Gln5912His (NM_001164507.2, NM_001271208.2); c.12633G>T, p.Gln4211His (NM_004543.5); short protein forms Q4211H, Q5912H.
Identifiers: ClinVar variation 4689746 (VCV004689746.1).